The following is an entry in ClinVar:

ClinVar aggregate classification (germline): Uncertain significance (1 of 4 stars; one submission).

Conditions:
Developmental and epileptic encephalopathy, 11 (DEE11). Also called: Early infantile epileptic encephalopathy 11. Identifiers: Orphanet 1934, MedGen C3150987, MONDO:0013388, OMIM 613721.
Seizures, benign familial infantile, 3 (BFIS3). Also called: CONVULSIONS, BENIGN FAMILIAL INFANTILE, 3; Familial neonatal seizures. Identifiers: Orphanet 140927, Orphanet 306, MedGen C1843140, MONDO:0011904, OMIM 607745.

Submission:

Labcorp Genetics (formerly Invitae), Labcorp
Classification: Uncertain significance for Seizures, benign familial infantile, 3; Developmental and epileptic encephalopathy, 11. Last evaluated: 2024-08-06. Review status: criteria provided, single submitter. Criteria: Invitae Variant Classification Sherloc (09022015). Collection method: clinical testing. Allele origin: germline.
Comment: This sequence change replaces phenylalanine, which is neutral and non-polar, with leucine, which is neutral and non-polar, at codon 1114 of the SCN2A protein (p.Phe1114Leu). This variant is not present in population databases (gnomAD no frequency). This variant has not been reported in the literature in individuals affected with SCN2A-related conditions. ClinVar contains an entry for this variant (Variation ID: 2096295). Advanced modeling of protein sequence and biophysical properties (such as structural, functional, and spatial information, amino acid conservation, physicochemical variation, residue mobility, and thermodynamic stability) performed at Invitae indicates that this missense variant is not expected to disrupt SCN2A protein function with a negative predictive value of 95%. In summary, the available evidence is currently insufficient to determine the role of this variant in disease. Therefore, it has been classified as a Variant of Uncertain Significance.

NM_001040142.2(SCN2A):c.3340T>C (p.Phe1114Leu)

Gene: SCN2A (sodium voltage-gated channel alpha subunit 2; plus strand). Cytogenetic location: 2q24.3.
Variant type: single nucleotide variant.
Coding change: c.3340T>C on transcript NM_001040142.2 (MANE Select); coding-DNA position 3340, T replaced by C.
Protein change: p.Phe1114Leu; replaces phenylalanine 1114 with leucine.
Molecular consequence: missense variant.
Genome position (GRCh38, 1-based): chr2:165,354,612, T>C. VCF-style: chr2-165354612-T-C. GRCh37 (hg19) VCF-style: chr2-166211122-T-C.
Other names: c.3340T>C, p.Phe1114Leu (NM_001040143.2, NM_001371246.1, NM_001371247.1 and 1 more transcripts); short protein forms F1114L.
Identifiers: ClinVar variation 2096295 (VCV002096295.4), dbSNP rs2468036800, ClinGen allele CA349021933.
Genomic context (GRCh38, chr2:165,354,612, plus strand): 5'-TCATTTATAAACAACCCTAGCCTCACTGTGACAGTACCAATTGCTGTTGGAGAATCTGAC[T>C]TTGAAAATTTAAATACTGAAGAATTCAGCAGCGAGTCAGATATGGAGGAAAGCAAAGAGG-3'
Protein context (NP_001035232.1, residues 1104-1124): TVPIAVGESD[Phe1114Leu]ENLNTEEFSS